The following is an entry in ClinVar:

ClinVar aggregate classification (germline): Uncertain significance. Review status: criteria provided, multiple submitters, no conflicts (2 of 4 stars). 2 submissions from 2 submitters: Uncertain significance (2). Last evaluated 2025-08-31.

Conditions:
Inborn genetic diseases. Identifiers: MedGen C0950123, MeSH D030342.

Allele frequency attached by ClinVar (database versions not stated): gnomAD exomes below 0.00001; gnomAD 0.00001; TOPMed 0.00005.

Submissions (2):

Ambry Genetics
Classification: Uncertain significance for Inborn genetic diseases. Last evaluated: 2025-08-31. Review status: criteria provided, single submitter. Criteria: Ambry Variant Classification Scheme 2023. Collection method: clinical testing. Allele origin: germline.

Labcorp Genetics (formerly Invitae), Labcorp
Classification: Uncertain significance. Last evaluated: 2024-05-20. Review status: criteria provided, single submitter. Criteria: Invitae Variant Classification Sherloc (09022015). Collection method: clinical testing. Allele origin: germline.
Comment: This sequence change replaces threonine, which is neutral and polar, with alanine, which is neutral and non-polar, at codon 668 of the CDHR1 protein (p.Thr668Ala). This variant is present in population databases (no rsID available, gnomAD 0.007%). This variant has not been reported in the literature in individuals affected with CDHR1-related conditions. ClinVar contains an entry for this variant (Variation ID: 1918692). Advanced modeling of protein sequence and biophysical properties (such as structural, functional, and spatial information, amino acid conservation, physicochemical variation, residue mobility, and thermodynamic stability) performed at Invitae indicates that this missense variant is not expected to disrupt CDHR1 protein function with a negative predictive value of 80%. In summary, the available evidence is currently insufficient to determine the role of this variant in disease. Therefore, it has been classified as a Variant of Uncertain Significance.

NM_033100.4(CDHR1):c.2002A>G (p.Thr668Ala)

Gene: CDHR1 (cadherin related family member 1; plus strand). Cytogenetic location: 10q23.1.
Variant type: single nucleotide variant.
Coding change: c.2002A>G on transcript NM_033100.4 (MANE Select); coding-DNA position 2002, A replaced by G.
Protein change: p.Thr668Ala; replaces threonine 668 with alanine.
Molecular consequence: missense variant.
Genome position (GRCh38, 1-based): chr10:84,213,310, A>G. VCF-style: chr10-84213310-A-G. GRCh37 (hg19) VCF-style: chr10-85973066-A-G.
Other names: c.2002A>G, p.Thr668Ala (NM_001171971.3); short protein forms T668A.
Identifiers: ClinVar variation 1918692 (VCV001918692.7), dbSNP rs1400393223, ClinGen allele CA377378703.
Genomic context (GRCh38, chr10:84,213,310, plus strand): 5'-AGGGACTGCCTATGGTCCCTAGAGGTGCAGGCCAAGGACCGGGGCTCCCCATCCTTCAGC[A>G]CCACAGCCTTACTCAAGATTGACATCACAGATGCTGAGGTGAGTACAAAGCCATGGTCAG-3'
Protein context (NP_149091.1, residues 658-678): AKDRGSPSFS[Thr668Ala]TALLKIDITD